The following is an entry in ClinVar:

NM_198060.4(NRAP):c.4177G>A (p.Glu1393Lys)

Gene: NRAP (nebulin related anchoring protein; minus strand). Cytogenetic location: 10q25.3.
Variant type: single nucleotide variant.
Coding change: c.4177G>A on transcript NM_198060.4 (MANE Select); coding-DNA position 4177, G replaced by A.
Protein change: p.Glu1393Lys; replaces glutamic acid 1393 with lysine.
Molecular consequence: missense variant.
Genome position (GRCh38, 1-based): chr10:113,604,659, C>T on the plus strand (G>A on the coding strand, the complement: NRAP is on the minus strand). VCF-style: chr10-113604659-C-T. GRCh37 (hg19) VCF-style: chr10-115364418-C-T.
Other names: c.4177G>A, p.Glu1393Lys (NM_001261463.2); c.4069G>A, p.Glu1357Lys (NM_001322945.2); c.4072G>A, p.Glu1358Lys (NM_006175.5); short protein forms E1357K, E1358K, E1393K.
Identifiers: ClinVar variation 3572771 (VCV003572771.1).

ClinVar aggregate classification (germline): Uncertain significance (1 of 4 stars; one submission).

gnomAD v4.1: 41 of 1,614,068 alleles (0.0025%); highest among the groups gnomAD compares: South Asian, 0.0055%; no homozygotes.

Submission:

GeneDx
Classification: Uncertain significance. Last evaluated: 2024-07-09. Review status: criteria provided, single submitter. Criteria: GeneDx Variant Classification Process June 2021. Collection method: clinical testing. Allele origin: germline. Affected: yes.
Comment: In silico analysis supports that this missense variant has a deleterious effect on protein structure/function; Has not been previously published as pathogenic or benign to our knowledge